The following is an entry in ClinVar:

ClinVar aggregate classification (germline): Uncertain significance (1 of 4 stars; one submission).

Allele frequency attached by ClinVar (database versions not stated): TOPMed 0.00001.

Submission:

Greenwood Genetic Center Diagnostic Laboratories, Greenwood Genetic Center
Classification: Uncertain significance. Last evaluated: 2024-02-19. Review status: criteria provided, single submitter. Criteria: ACMG Guidelines, 2015. Collection method: clinical testing. Allele origin: germline. Affected: yes.
Comment: PM2

NM_001429.4(EP300):c.2413T>G (p.Ser805Ala)

Gene: EP300 (E1A binding protein p300; plus strand). Cytogenetic location: 22q13.2.
Variant type: single nucleotide variant.
Coding change: c.2413T>G on transcript NM_001429.4 (MANE Select); coding-DNA position 2413, T replaced by G.
Protein change: p.Ser805Ala; replaces serine 805 with alanine.
Molecular consequence: missense variant.
Genome position (GRCh38, 1-based): chr22:41,149,794, T>G. VCF-style: chr22-41149794-T-G. GRCh37 (hg19) VCF-style: chr22-41545798-T-G.
Other names: c.2335T>G, p.Ser779Ala (NM_001362843.2); short protein forms S779A, S805A.
Identifiers: ClinVar variation 3235750 (VCV003235750.1), dbSNP rs2059032768, ClinGen allele CA411691186.